The following is an entry in ClinVar:

ClinVar aggregate classification (germline): Uncertain significance. Review status: criteria provided, multiple submitters, no conflicts (2 of 4 stars). 2 submissions from 2 submitters: Uncertain significance (2). Last evaluated 2025-02-05.

Conditions:
PCNT-related disorder. Also called: PCNT-related condition.

Allele frequency attached by ClinVar (database versions not stated): gnomAD exomes 0.00001.
gnomAD v4.1: 3 of 1,614,184 alleles (0.00019%); highest among the groups gnomAD compares: Admixed American, 0.005%; no homozygotes.

Submissions (2):

PreventionGenetics, part of Exact Sciences
Classification: Uncertain significance for PCNT-related condition. Last evaluated: 2025-02-05. Review status: criteria provided, single submitter. Criteria: ACMG Guidelines, 2015. Collection method: clinical testing. Allele origin: germline.
Comment: The PCNT c.8792T>C variant is predicted to result in the amino acid substitution p.Ile2931Thr. To our knowledge, this variant has not been reported in the literature. This variant is reported in 0.0058% of alleles in individuals of Latino descent in gnomAD. At this time, the clinical significance of this variant is uncertain due to the absence of conclusive functional and genetic evidence.

Labcorp Genetics (formerly Invitae), Labcorp
Classification: Uncertain significance. Last evaluated: 2022-01-22. Review status: criteria provided, single submitter. Criteria: Invitae Variant Classification Sherloc (09022015). Collection method: clinical testing. Allele origin: germline.
Comment: This sequence change replaces isoleucine, which is neutral and non-polar, with threonine, which is neutral and polar, at codon 2931 of the PCNT protein (p.Ile2931Thr). This variant is present in population databases (no rsID available, gnomAD 0.006%). This variant has not been reported in the literature in individuals affected with PCNT-related conditions. Algorithms developed to predict the effect of missense changes on protein structure and function are either unavailable or do not agree on the potential impact of this missense change (SIFT: "Deleterious"; PolyPhen-2: "Possibly Damaging"; Align-GVGD: "Class C0"). In summary, the available evidence is currently insufficient to determine the role of this variant in disease. Therefore, it has been classified as a Variant of Uncertain Significance.

NM_006031.6(PCNT):c.8792T>C (p.Ile2931Thr)

Gene: PCNT (pericentrin; plus strand). Cytogenetic location: 21q22.3.
Variant type: single nucleotide variant.
Coding change: c.8792T>C on transcript NM_006031.6 (MANE Select); coding-DNA position 8792, T replaced by C.
Protein change: p.Ile2931Thr; replaces isoleucine 2931 with threonine.
Molecular consequence: missense variant.
Genome position (GRCh38, 1-based): chr21:46,435,944, T>C. VCF-style: chr21-46435944-T-C. GRCh37 (hg19) VCF-style: chr21-47855857-T-C.
Other names: c.8792T>C (NM_006031.5); c.8201T>C, p.Ile2734Thr (NM_001315529.2); short protein forms I2931T, I2734T.
Identifiers: ClinVar variation 1951551 (VCV001951551.3), dbSNP rs1402499623, ClinGen allele CA410574649.